The following is an entry in ClinVar:

NM_000535.7(PMS2):c.689T>C (p.Val230Ala)

Gene: PMS2 (PMS1 homolog 2, mismatch repair system component; minus strand). Cytogenetic location: 7p22.1.
Variant type: single nucleotide variant.
Coding change: c.689T>C on transcript NM_000535.7 (MANE Select); coding-DNA position 689, T replaced by C.
Protein change: p.Val230Ala; replaces valine 230 with alanine.
Molecular consequence: missense variant. On other transcripts: 5 prime UTR variant (2), non-coding transcript variant (1), intron variant (9).
Genome position (GRCh38, 1-based): chr7:5,999,124, A>G on the plus strand (T>C on the coding strand, the complement: PMS2 is on the minus strand). VCF-style: chr7-5999124-A-G. GRCh37 (hg19) VCF-style: chr7-6038755-A-G.
Other names: c.284T>C, p.Val95Ala (NM_001018040.1, NM_001322003.2, NM_001322004.2 and 20 more transcripts); c.689T>C, p.Val230Ala (NM_001322006.2, NM_001322014.2, NM_001406870.1 and 4 more transcripts); c.371T>C, p.Val124Ala (NM_001322007.2, NM_001322008.2, NM_001406876.1 and 4 more transcripts); c.-245T>C (NM_001322011.2, NM_001322012.2); c.380T>C, p.Val127Ala (NM_001322015.2, NM_001406875.1, NM_001406877.1 and 6 more transcripts); c.875T>C, p.Val292Ala (NM_001406866.1); c.713T>C, p.Val238Ala (NM_001406868.1); c.353T>C, p.Val118Ala (NM_001406885.1); and 6 more; short protein forms V118A, V292A, V124A, V95A, V127A, V230A, V238A.
Identifiers: ClinVar variation 2560965 (VCV002560965.2), dbSNP rs1583385769, ClinGen allele CA366743841.

ClinVar aggregate classification (germline): Uncertain significance (1 of 4 stars; one submission).

Conditions:
Hereditary cancer-predisposing syndrome. Also called: Neoplastic Syndromes, Hereditary; Hereditary Cancer Syndrome; Hereditary neoplastic syndrome; Tumor predisposition. Identifiers: Orphanet 140162, MedGen C0027672, MeSH D009386, MONDO:0015356.

Submission:

Ambry Genetics
Classification: Uncertain significance for Hereditary cancer-predisposing syndrome. Last evaluated: 2023-05-21. Review status: criteria provided, single submitter. Criteria: Ambry Variant Classification Scheme 2023. Collection method: clinical testing. Allele origin: germline.
Comment: The p.V230A variant (also known as c.689T>C), located in coding exon 6 of the PMS2 gene, results from a T to C substitution at nucleotide position 689. The valine at codon 230 is replaced by alanine, an amino acid with similar properties. This amino acid position is conserved. In addition, this alteration is predicted to be deleterious by in silico analysis. Since supporting evidence is limited at this time, the clinical significance of this alteration remains unclear.